The following is an entry in ClinVar:

NM_199420.4(POLQ):c.1414C>T (p.Leu472Phe)

Gene: POLQ (DNA polymerase theta; minus strand). Cytogenetic location: 3q13.33.
Variant type: single nucleotide variant.
Coding change: c.1414C>T on transcript NM_199420.4 (MANE Select); coding-DNA position 1414, C replaced by T.
Protein change: p.Leu472Phe; replaces leucine 472 with phenylalanine.
Molecular consequence: missense variant.
Genome position (GRCh38, 1-based): chr3:121,519,925, G>A on the plus strand (C>T on the coding strand, the complement: POLQ is on the minus strand). VCF-style: chr3-121519925-G-A. GRCh37 (hg19) VCF-style: chr3-121238772-G-A.
Other names: short protein forms L472F.
Identifiers: ClinVar variation 2563836 (VCV002563836.2), dbSNP rs2546810044, ClinGen allele CA354119096.
Genomic context (GRCh38, chr3:121,519,925, plus strand): 5'-ACTTACCTACTGTGTCCACTCCTTTCCTGCCAGCACGGCCAACCATCTGCTTATAAGTAA[G>A]AATATCTAGAGGTCGACCACCAAAAATAGGGGTTCGAATAATCACACGACGTGCAGGTAA-3'
Protein context (NP_955452.3, residues 462-482): PIFGGRPLDI[Leu472Phe]TYKQMVGRAG

ClinVar aggregate classification (germline): Uncertain significance (1 of 4 stars; one submission).

Submission:

Ambry Genetics
Classification: Uncertain significance. Last evaluated: 2023-05-06. Review status: criteria provided, single submitter. Criteria: Ambry Variant Classification Scheme 2023. Collection method: clinical testing. Allele origin: germline.
Comment: The p.L472F variant (also known as c.1414C>T), located in coding exon 9 of the POLQ gene, results from a C to T substitution at nucleotide position 1414. The leucine at codon 472 is replaced by phenylalanine, an amino acid with highly similar properties. This amino acid position is conserved. In addition, this alteration is predicted to be tolerated by in silico analysis. Since supporting evidence is limited at this time, the clinical significance of this alteration remains unclear.